The following is an entry in ClinVar:

NM_014795.4(ZEB2):c.2113T>C (p.Ser705Pro)

Gene: ZEB2 (zinc finger E-box binding homeobox 2; minus strand). Cytogenetic location: 2q22.3.
Variant type: single nucleotide variant.
Coding change: c.2113T>C on transcript NM_014795.4 (MANE Select); coding-DNA position 2113, T replaced by C.
Protein change: p.Ser705Pro; replaces serine 705 with proline.
Molecular consequence: missense variant.
Genome position (GRCh38, 1-based): chr2:144,399,074, A>G on the plus strand (T>C on the coding strand, the complement: ZEB2 is on the minus strand). VCF-style: chr2-144399074-A-G. GRCh37 (hg19) VCF-style: chr2-145156641-A-G.
Other names: c.2041T>C, p.Ser681Pro (NM_001171653.2); short protein forms S681P, S705P.
Identifiers: ClinVar variation 4770720 (VCV004770720.1).
Genomic context (GRCh38, chr2:144,399,074, plus strand): 5'-CTTTTGTGGGAGGGTTACTGTTGGGAGCTAACGGCTTGGAGCTTCTTTCCAGGGATGGGG[A>G]CCTGGAATTTGAGTACTGGTAGACTTTTCGTTGTTCAAACCATTCCTTCACAAATTCCTG-3'
Protein context (NP_055610.1, residues 695-715): RKVYQYSNSR[Ser705Pro]PSLERSSKPL

ClinVar aggregate classification (germline): Uncertain significance (1 of 4 stars; one submission).

Conditions:
Mowat-Wilson syndrome (MOWS). Also called: Classic Mowat-Wilson Syndrome. Identifiers: Orphanet 2152, MedGen C1856113, MONDO:0009341, OMIM 235730.

Submission:

Labcorp Genetics (formerly Invitae), Labcorp
Classification: Uncertain significance for Mowat-Wilson syndrome. Last evaluated: 2026-01-21. Review status: criteria provided, single submitter. Criteria: Invitae Variant Classification Sherloc (09022015). Collection method: clinical testing. Allele origin: germline.
Comment: This sequence change replaces serine, which is neutral and polar, with proline, which is neutral and non-polar, at codon 705 of the ZEB2 protein (p.Ser705Pro). This variant is not present in population databases (gnomAD no frequency). This variant has not been reported in the literature in individuals affected with ZEB2-related conditions. An algorithm developed to predict the effect of missense changes on protein structure and function (PolyPhen-2) suggests that this variant is likely to be tolerated. In summary, the available evidence is currently insufficient to determine the role of this variant in disease. Therefore, it has been classified as a Variant of Uncertain Significance.